The following is an entry in ClinVar:

ClinVar aggregate classification (germline): Benign/Likely benign. Review status: criteria provided, multiple submitters, no conflicts (2 of 4 stars). 3 submissions from 3 submitters: Benign (1); Likely benign (2). Last evaluated 2026-07-02.

Conditions:
Sessile serrated polyposis cancer syndrome (SSPCS). Identifiers: Orphanet 157798, MedGen C4310714, MONDO:0014919, OMIM 617108.

Submissions (3):

Myriad Genetics, Inc.
Classification: Benign for Sessile serrated polyposis cancer syndrome. Last evaluated: 2026-07-02. Review status: criteria provided, single submitter. Criteria: Myriad Autosomal Dominant, Autosomal Recessive and X-Linked Classification Criteria (2023). Collection method: clinical testing. Allele origin: unknown.
Comment: This variant is considered benign. This variant is a silent/synonymous amino acid change and it is not expected to impact splicing.

Ambry Genetics
Classification: Likely benign. Last evaluated: 2025-03-21. Review status: criteria provided, single submitter. Criteria: Ambry Variant Classification Scheme 2023. Collection method: clinical testing. Allele origin: germline.

Labcorp Genetics (formerly Invitae), Labcorp
Classification: Likely benign. Last evaluated: 2024-11-27. Review status: criteria provided, single submitter. Criteria: Invitae Variant Classification Sherloc (09022015). Collection method: clinical testing. Allele origin: germline.

NM_017763.6(RNF43):c.2283C>T (p.His761=)

Gene: RNF43 (ring finger protein 43; minus strand). Cytogenetic location: 17q22.
Variant type: single nucleotide variant.
Coding change: c.2283C>T on transcript NM_017763.6 (MANE Select); coding-DNA position 2283, C replaced by T.
Protein change: p.His761=; no amino-acid change (histidine 761 retained).
Molecular consequence: synonymous variant.
Genome position (GRCh38, 1-based): chr17:58,357,493, G>A on the plus strand (C>T on the coding strand, the complement: RNF43 is on the minus strand). VCF-style: chr17-58357493-G-A. GRCh37 (hg19) VCF-style: chr17-56434854-G-A.
Other names: c.2283C>T, p.His761= (NM_001305544.3); c.1902C>T, p.His634= (NM_001305545.2).
Identifiers: ClinVar variation 3717112 (VCV003717112.4).
Genomic context (GRCh38, chr17:58,357,493, plus strand): 5'-CTCCCTACCACACCCACTTCCCTCTGAAAACTCACCAGGCTGGGCCGACAGCACCTGGCA[G>A]TGCGGATAAGGGCATGGCCTGCCCTCTGCGGTGTCAGAACTCCATTCAGAAGGCCCCTCC-3'
Protein context (NP_060233.3, residues 751-771): TAEGRPCPYP[His761=]CQVLSAQPGS